The following is an entry in ClinVar:

NM_001211.6(BUB1B):c.309A>C (p.Glu103Asp)

Gene: BUB1B (BUB1 mitotic checkpoint serine/threonine kinase B; plus strand). Cytogenetic location: 15q15.1.
Variant type: single nucleotide variant.
Coding change: c.309A>C on transcript NM_001211.6 (MANE Select); coding-DNA position 309, A replaced by C.
Protein change: p.Glu103Asp; replaces glutamic acid 103 with aspartic acid.
Molecular consequence: missense variant.
Genome position (GRCh38, 1-based): chr15:40,170,606, A>C. VCF-style: chr15-40170606-A-C. GRCh37 (hg19) VCF-style: chr15-40462807-A-C.
Other names: short protein forms E103D.
Identifiers: ClinVar variation 2565473 (VCV002565473.2), dbSNP rs2542516822, ClinGen allele CA391679135.

ClinVar aggregate classification (germline): Uncertain significance (1 of 4 stars; one submission).

Conditions:
Inborn genetic diseases. Identifiers: MedGen C0950123, MeSH D030342.

Submission:

Ambry Genetics
Classification: Uncertain significance for Inborn genetic diseases. Last evaluated: 2023-05-25. Review status: criteria provided, single submitter. Criteria: Ambry Variant Classification Scheme 2023. Collection method: clinical testing. Allele origin: germline.
Comment: The p.E103D variant (also known as c.309A>C), located in coding exon 4 of the BUB1B gene, results from an A to C substitution at nucleotide position 309. The glutamic acid at codon 103 is replaced by aspartic acid, an amino acid with highly similar properties. This amino acid position is conserved. In addition, the in silico prediction for this alteration is inconclusive. Since supporting evidence is limited at this time, the clinical significance of this alteration remains unclear.